The following is an entry in ClinVar:

NM_006939.4(SOS2):c.1973A>G (p.Lys658Arg)

Gene: SOS2 (SOS Ras/Rho guanine nucleotide exchange factor 2; minus strand). Cytogenetic location: 14q21.3.
Variant type: single nucleotide variant.
Coding change: c.1973A>G on transcript NM_006939.4 (MANE Select); coding-DNA position 1973, A replaced by G.
Protein change: p.Lys658Arg; replaces lysine 658 with arginine.
Molecular consequence: missense variant.
Genome position (GRCh38, 1-based): chr14:50,157,083, T>C on the plus strand (A>G on the coding strand, the complement: SOS2 is on the minus strand). VCF-style: chr14-50157083-T-C. GRCh37 (hg19) VCF-style: chr14-50623801-T-C.
Other names: c.1973A>G (NM_006939.2); short protein forms K658R.
Identifiers: ClinVar variation 1691522 (VCV001691522.10), dbSNP rs1317956888, ClinGen allele CA389644526.

ClinVar aggregate classification (germline): Uncertain significance. Review status: criteria provided, multiple submitters, no conflicts (2 of 4 stars). 3 submissions from 3 submitters: Uncertain significance (3). Last evaluated 2025-07-20.

Conditions:
Cardiovascular phenotype. Identifiers: MedGen CN230736.
Noonan syndrome 9 (NS9). Identifiers: Orphanet 648, MedGen C4225282, MONDO:0014691, OMIM 616559.

Allele frequency attached by ClinVar (database versions not stated): TOPMed 0.00001; gnomAD exomes below 0.00001; gnomAD 0.00001.
gnomAD v4.1: 5 of 1,612,612 alleles (0.00031%); highest among the groups gnomAD compares: African/African-American, 0.0027%; no homozygotes.

Submissions (3):

Labcorp Genetics (formerly Invitae), Labcorp
Classification: Uncertain significance for Noonan syndrome 9. Last evaluated: 2025-07-20. Review status: criteria provided, single submitter. Criteria: Invitae Variant Classification Sherloc (09022015). Collection method: clinical testing. Allele origin: germline.
Comment: This sequence change replaces lysine, which is basic and polar, with arginine, which is basic and polar, at codon 658 of the SOS2 protein (p.Lys658Arg). This variant is present in population databases (no rsID available, gnomAD 0.0009%). This variant has not been reported in the literature in individuals affected with SOS2-related conditions. ClinVar contains an entry for this variant (Variation ID: 1691522). Invitae Evidence Modeling of protein sequence and biophysical properties (such as structural, functional, and spatial information, amino acid conservation, physicochemical variation, residue mobility, and thermodynamic stability) indicates that this missense variant is not expected to disrupt SOS2 protein function with a negative predictive value of 95%. In summary, the available evidence is currently insufficient to determine the role of this variant in disease. Therefore, it has been classified as a Variant of Uncertain Significance.

Ambry Genetics
Classification: Uncertain significance for Cardiovascular phenotype. Last evaluated: 2023-11-09. Review status: criteria provided, single submitter. Criteria: Ambry Variant Classification Scheme 2023. Collection method: clinical testing. Allele origin: germline.
Comment: The p.K658R variant (also known as c.1973A>G), located in coding exon 12 of the SOS2 gene, results from an A to G substitution at nucleotide position 1973. The lysine at codon 658 is replaced by arginine, an amino acid with highly similar properties. This amino acid position is conserved. In addition, this alteration is predicted to be tolerated by in silico analysis. Since supporting evidence is limited at this time, the clinical significance of this alteration remains unclear.

St. Jude Molecular Pathology, St. Jude Children's Research Hospital
Classification: Uncertain significance for Noonan syndrome 9. Last evaluated: 2022-01-27. Review status: criteria provided, single submitter. Criteria: St. Jude Assertion Criteria 2020. Collection method: clinical testing. Allele origin: germline.
Comment: The SOS2 c.1973A>G (p.Lys658Arg) missense change has a maximum subpopulation frequency of 0.00088% in gnomAD v2.1.1 (PM2_Supporting ). This variant occurs in a gene where missense variants are more likely to be damaging based on methods described by Lek et al. (PP2; PMID: 27535533). Seven of seven in silico tools predict a benign effect of this variant on protein function (BP4), but to our knowledge these predictions have not been confirmed by functional assays. To our knowledge, this variant has not been reported in individuals with Noonan syndrome. In summary, this variant meets criteria to be classified as of uncertain significance based on the ACMG/AMP criteria, as specified by the RASopathy Variant Curation Expert Panel (PMID:29493581): PM2, PP2, BP4.